The following is an entry in ClinVar:

NM_006302.3(MOGS):c.2224A>C (p.Asn742His)

Gene: MOGS (mannosyl-oligosaccharide glucosidase; minus strand). Cytogenetic location: 2p13.1.
Variant type: single nucleotide variant.
Coding change: c.2224A>C on transcript NM_006302.3 (MANE Select); coding-DNA position 2224, A replaced by C.
Protein change: p.Asn742His; replaces asparagine 742 with histidine.
Molecular consequence: missense variant.
Genome position (GRCh38, 1-based): chr2:74,461,565, T>G on the plus strand (A>C on the coding strand, the complement: MOGS is on the minus strand). VCF-style: chr2-74461565-T-G. GRCh37 (hg19) VCF-style: chr2-74688692-T-G.
Other names: c.2224A>C, p.Asn742His (LRG_1226t1); c.1906A>C, p.Asn636His (NM_001146158.2); short protein forms N742H, N636H.
Identifiers: ClinVar variation 652717 (VCV000652717.6), dbSNP rs1283895621, ClinGen allele CA347366827.

ClinVar aggregate classification (germline): Uncertain significance (1 of 4 stars; one submission).

Conditions:
MOGS-congenital disorder of glycosylation. Also called: GLUCOSIDASE I DEFICIENCY; MOGS-CDG; CDG IIb; CDG 2B. Identifiers: Orphanet 79330, MedGen C1853736, MONDO:0011629, OMIM 606056.

Allele frequency attached by ClinVar (database versions not stated): TOPMed below 0.00001.
gnomAD v4.1: 2 of 1,613,924 alleles (0.00012%); highest among the groups gnomAD compares: Admixed American, 0.0033%; no homozygotes.

Submission:

Labcorp Genetics (formerly Invitae), Labcorp
Classification: Uncertain significance for MOGS-congenital disorder of glycosylation. Last evaluated: 2022-10-22. Review status: criteria provided, single submitter. Criteria: Invitae Variant Classification Sherloc (09022015). Collection method: clinical testing. Allele origin: germline.
Comment: This sequence change replaces asparagine, which is neutral and polar, with histidine, which is basic and polar, at codon 742 of the MOGS protein (p.Asn742His). This variant is present in population databases (no rsID available, gnomAD 0.006%). This variant has not been reported in the literature in individuals affected with MOGS-related conditions. ClinVar contains an entry for this variant (Variation ID: 652717). Advanced modeling of protein sequence and biophysical properties (such as structural, functional, and spatial information, amino acid conservation, physicochemical variation, residue mobility, and thermodynamic stability) performed at Invitae indicates that this missense variant is expected to disrupt MOGS protein function. In summary, the available evidence is currently insufficient to determine the role of this variant in disease. Therefore, it has been classified as a Variant of Uncertain Significance.